The following is an entry in ClinVar:

ClinVar aggregate classification (germline): Uncertain significance (1 of 4 stars; one submission).

gnomAD v4.1: 4 of 1,613,512 alleles (0.00025%); highest among the groups gnomAD compares: Admixed American, 0.0017%; no homozygotes.

Submission:

Labcorp Genetics (formerly Invitae), Labcorp
Classification: Uncertain significance. Last evaluated: 2026-01-27. Review status: criteria provided, single submitter. Criteria: Invitae Variant Classification Sherloc (09022015). Collection method: clinical testing. Allele origin: germline.
Comment: This sequence change replaces proline, which is neutral and non-polar, with arginine, which is basic and polar, at codon 595 of the REST protein (p.Pro595Arg). This variant is present in population databases (no rsID available, gnomAD 0.003%). This variant has not been reported in the literature in individuals affected with REST-related conditions. ClinVar contains an entry for this variant (Variation ID: 1445086). An algorithm developed to predict the effect of missense changes on protein structure and function (PolyPhen-2) suggests that this variant is likely to be tolerated. In summary, the available evidence is currently insufficient to determine the role of this variant in disease. Therefore, it has been classified as a Variant of Uncertain Significance.

NM_005612.5(REST):c.1784C>G (p.Pro595Arg)

Gene: REST (RE1 silencing transcription factor; plus strand). Cytogenetic location: 4q12.
Variant type: single nucleotide variant.
Coding change: c.1784C>G on transcript NM_005612.5 (MANE Select); coding-DNA position 1784, C replaced by G.
Protein change: p.Pro595Arg; replaces proline 595 with arginine.
Molecular consequence: missense variant.
Genome position (GRCh38, 1-based): chr4:56,930,642, C>G. VCF-style: chr4-56930642-C-G. GRCh37 (hg19) VCF-style: chr4-57796808-C-G.
Other names: c.1784C>G, p.Pro595Arg (NM_001193508.2, NM_001363453.3); short protein forms P595R.
Identifiers: ClinVar variation 1445086 (VCV001445086.6), dbSNP rs1008600489, ClinGen allele CA97636581.